The following is an entry in ClinVar:

ClinVar aggregate classification (germline): Pathogenic. Review status: criteria provided, single submitter (1 of 4 stars). 4 submissions from 4 submitters: Pathogenic (1). 3 of the submissions do not count toward it. Last evaluated 2022-11-15.

Submissions (4):

Labcorp Genetics (formerly Invitae), Labcorp
Classification: Pathogenic. Last evaluated: 2022-11-15. Review status: criteria provided, single submitter. Criteria: Invitae Variant Classification Sherloc (09022015). Collection method: clinical testing. Allele origin: germline.
Comment: For these reasons, this variant has been classified as Pathogenic. This variant disrupts the p.Gln28 amino acid residue in RHO. Other variant(s) that disrupt this residue have been determined to be pathogenic (PMID: 28041643; Invitae). This suggests that this residue is clinically significant, and that variants that disrupt this residue are likely to be disease-causing. Experimental studies have shown that this missense change affects RHO function (PMID: 8193125, 24106275, 30240733, 30977563). Advanced modeling of protein sequence and biophysical properties (such as structural, functional, and spatial information, amino acid conservation, physicochemical variation, residue mobility, and thermodynamic stability) performed at Invitae indicates that this missense variant is expected to disrupt RHO protein function. ClinVar contains an entry for this variant (Variation ID: 1284434). This missense change has been observed in individuals with autosomal dominant retinitis pigmentosa (PMID: 8406457, 29847639). This variant is not present in population databases (gnomAD no frequency). This sequence change replaces glutamine, which is neutral and polar, with histidine, which is basic and polar, at codon 28 of the RHO protein (p.Gln28His).

Clinical Genetics DNA and cytogenetics Diagnostics Lab, Erasmus MC, Erasmus Medical Center
Classification: Pathogenic. Review status: no assertion criteria provided. Collection method: clinical testing. Allele origin: germline. Affected: yes. Study: VKGL Data-share Consensus. Not counted in ClinVar's aggregate classification.

Clinical Genetics, Academic Medical Center
Classification: Pathogenic. Review status: no assertion criteria provided. Collection method: clinical testing. Allele origin: germline. Affected: yes. Study: VKGL Data-share Consensus. Not counted in ClinVar's aggregate classification.

Joint Genome Diagnostic Labs from Nijmegen and Maastricht, Radboudumc and MUMC+
Classification: Pathogenic. Review status: no assertion criteria provided. Collection method: clinical testing. Allele origin: germline. Affected: yes. Study: VKGL Data-share Consensus. Not counted in ClinVar's aggregate classification.

Literature cited by the submitters: PubMed 28041643 (cited by Labcorp Genetics (formerly Invitae), Labcorp); PubMed 8193125 (cited by Labcorp Genetics (formerly Invitae), Labcorp); PubMed 24106275 (cited by Labcorp Genetics (formerly Invitae), Labcorp); PubMed 30240733 (cited by Labcorp Genetics (formerly Invitae), Labcorp); PubMed 30977563 (cited by Labcorp Genetics (formerly Invitae), Labcorp); PubMed 8406457 (cited by Labcorp Genetics (formerly Invitae), Labcorp); PubMed 29847639 (cited by Labcorp Genetics (formerly Invitae), Labcorp).

NM_000539.3(RHO):c.84G>T (p.Gln28His)

Gene: RHO (rhodopsin; plus strand). Cytogenetic location: 3q22.1.
Variant type: single nucleotide variant.
Coding change: c.84G>T on transcript NM_000539.3 (MANE Select); coding-DNA position 84, G replaced by T.
Protein change: p.Gln28His; replaces glutamine 28 with histidine.
Molecular consequence: missense variant.
Genome position (GRCh38, 1-based): chr3:129,528,817, G>T. VCF-style: chr3-129528817-G-T. GRCh37 (hg19) VCF-style: chr3-129247660-G-T.
Other names: short protein forms Q28H.
Identifiers: ClinVar variation 1284434 (VCV001284434.10), dbSNP rs2108749184, ClinGen allele CA354495588.
Genomic context (GRCh38, chr3:129,528,817, plus strand): 5'-CTTCTACGTGCCCTTCTCCAATGCGACGGGTGTGGTACGCAGCCCCTTCGAGTACCCACA[G>T]TACTACCTGGCTGAGCCATGGCAGTTCTCCATGCTGGCCGCCTACATGTTTCTGCTGATC-3'
Protein context (NP_000530.1, residues 18-38): GVVRSPFEYP[Gln28His]YYLAEPWQFS